The following is an entry in ClinVar:

ClinVar aggregate classification (germline): Likely benign. Review status: criteria provided, multiple submitters, no conflicts (2 of 4 stars). 8 submissions from 7 submitters: Likely benign (7). 1 of the submissions does not count toward it. Last evaluated 2026-01-15.

Conditions:
ATR-related disorder. Also called: ATR-related condition.
Seckel syndrome 1 (SCKL1). Also called: MICROCEPHALIC PRIMORDIAL DWARFISM I. Identifiers: Orphanet 808, MedGen C4551474, MONDO:0008869, OMIM 210600.
Inborn genetic diseases. Identifiers: MedGen C0950123, MeSH D030342.
Familial cutaneous telangiectasia and oropharyngeal predisposition cancer syndrome. Identifiers: Orphanet 313846, MedGen C3281203, MONDO:0013806, OMIM 614564.

Allele frequency attached by ClinVar (database versions not stated): 1000 Genomes Project 30x 0.00016; gnomAD exomes 0.00025 and 0.00031; ExAC 0.00035; gnomAD 0.00061 and 0.00069; TOPMed 0.00064; ESP Exome Variant Server 0.00077.
gnomAD v4.1: 453 of 1,613,870 alleles (0.028%); highest among the groups gnomAD compares: African/African-American, 0.16%; no homozygotes.

Submissions (13):

Labcorp Genetics (formerly Invitae), Labcorp
Classification: Likely benign. Last evaluated: 2026-01-15. Review status: criteria provided, single submitter. Criteria: Invitae Variant Classification Sherloc (09022015). Collection method: clinical testing. Allele origin: germline.

CeGaT Center for Human Genetics Tuebingen
Classification: Likely benign. Last evaluated: 2025-05-01. Review status: criteria provided, single submitter. Criteria: CeGaT Center For Human Genetics Tuebingen Variant Classification Criteria Version 2. Collection method: clinical testing. Allele origin: germline. Affected: yes. Observed: 10 variant alleles.
Comment: ATR: BP4, BP7

Blueprint Genetics
Classification: Likely benign. Last evaluated: 2024-10-11. Review status: criteria provided, single submitter. Criteria: ACMG Guidelines, 2015. Collection method: clinical testing. Allele origin: germline.

Genome-Nilou Lab
Classification: Likely benign for Seckel syndrome 1. Last evaluated: 2023-02-08. Review status: criteria provided, single submitter. Criteria: ACMG Guidelines, 2015. Collection method: clinical testing. Allele origin: germline.

Genome-Nilou Lab
Classification: Likely benign for Familial cutaneous telangiectasia and oropharyngeal predisposition cancer syndrome. Last evaluated: 2023-02-08. Review status: criteria provided, single submitter. Criteria: ACMG Guidelines, 2015. Collection method: clinical testing. Allele origin: germline.

Ambry Genetics
Classification: Likely benign for Inborn genetic diseases. Last evaluated: 2022-02-12. Review status: criteria provided, single submitter. Criteria: Ambry Variant Classification Scheme 2023. Collection method: clinical testing. Allele origin: germline.

GeneDx
Classification: Likely benign. Last evaluated: 2015-12-31. Review status: criteria provided, single submitter. Criteria: GeneDx Variant Classification (06012015). Collection method: clinical testing. Allele origin: germline. Affected: yes.
Comment: This variant is considered likely benign or benign based on one or more of the following criteria: it is a conservative change, it occurs at a poorly conserved position in the protein, it is predicted to be benign by multiple in silico algorithms, and/or has population frequency not consistent with disease.

PreventionGenetics, part of Exact Sciences
Classification: Likely benign for ATR-related condition. Last evaluated: 2024-01-05. Review status: no assertion criteria provided. Collection method: clinical testing. Allele origin: germline. Not counted in ClinVar's aggregate classification.
Comment: This variant is classified as likely benign based on ACMG/AMP sequence variant interpretation guidelines (Richards et al. 2015 PMID: 25741868, with internal and published modifications).

Dr. Peter K. Rogan Lab, Western University
No classification provided (evidence only). Condition: Lung cancer. Review status: no classification provided. Collection method: in vitro. Allele origin: not applicable. Functional consequence: retained intron. Not counted in ClinVar's aggregate classification.

Dr. Peter K. Rogan Lab, Western University
No classification provided (evidence only). Condition: Acute myeloid leukemia. Review status: no classification provided. Collection method: in vitro. Allele origin: not applicable. Functional consequence: retained intron. Not counted in ClinVar's aggregate classification.

Dr. Peter K. Rogan Lab, Western University
No classification provided (evidence only). Condition: Thyroid cancer, nonmedullary, 1. Review status: no classification provided. Collection method: in vitro. Allele origin: not applicable. Functional consequence: retained intron. Not counted in ClinVar's aggregate classification.

Dr. Peter K. Rogan Lab, Western University
No classification provided (evidence only). Condition: Malignant lymphoma, large B-cell, diffuse. Review status: no classification provided. Collection method: in vitro. Allele origin: not applicable. Functional consequence: retained intron. Not counted in ClinVar's aggregate classification.

Dr. Peter K. Rogan Lab, Western University
No classification provided (evidence only). Condition: Ovarian serous cystadenocarcinoma. Review status: no classification provided. Collection method: in vitro. Allele origin: not applicable. Functional consequence: retained intron. Not counted in ClinVar's aggregate classification.

NM_001184.4(ATR):c.5931A>G (p.Gln1977=)

Gene: ATR (ATR checkpoint kinase; minus strand). Cytogenetic location: 3q23.
Variant type: single nucleotide variant.
Coding change: c.5931A>G on transcript NM_001184.4 (MANE Select); coding-DNA position 5931, A replaced by G.
Protein change: p.Gln1977=; no amino-acid change (glutamine 1977 retained).
Molecular consequence: synonymous variant.
Genome position (GRCh38, 1-based): chr3:142,493,279, T>C on the plus strand (A>G on the coding strand, the complement: ATR is on the minus strand). VCF-style: chr3-142493279-T-C. GRCh37 (hg19) VCF-style: chr3-142212121-T-C.
Other names: c.5739A>G, p.Gln1913= (NM_001354579.2).
Identifiers: ClinVar variation 382221 (VCV000382221.41), dbSNP rs150964938, ClinGen allele CA2649444.